The following is an entry in ClinVar:

NM_006431.3(CCT2):c.1468A>G (p.Ile490Val)

Gene: CCT2 (chaperonin containing TCP1 subunit 2; plus strand). Cytogenetic location: 12q15.
Variant type: single nucleotide variant.
Coding change: c.1468A>G on transcript NM_006431.3 (MANE Select); coding-DNA position 1468, A replaced by G.
Protein change: p.Ile490Val; replaces isoleucine 490 with valine.
Molecular consequence: missense variant.
Genome position (GRCh38, 1-based): chr12:69,599,895, A>G. VCF-style: chr12-69599895-A-G. GRCh37 (hg19) VCF-style: chr12-69993675-A-G.
Other names: c.1327A>G, p.Ile443Val (NM_001198842.2); short protein forms I490V, I443V.
Identifiers: ClinVar variation 970058 (VCV000970058.9), dbSNP rs1882100157, ClinGen allele CA385731722.

ClinVar aggregate classification (germline): Uncertain significance (1 of 4 stars; one submission).

gnomAD v4.1: 1 of 1,613,810 alleles (0.000062%); highest among the groups gnomAD compares: South Asian, 0.0011%; no homozygotes.

Submission:

Labcorp Genetics (formerly Invitae), Labcorp
Classification: Uncertain significance. Last evaluated: 2019-10-31. Review status: criteria provided, single submitter. Criteria: Invitae Variant Classification Sherloc (09022015). Collection method: clinical testing. Allele origin: germline.
Comment: This sequence change replaces isoleucine with valine at codon 490 of the CCT2 protein (p.Ile490Val). The isoleucine residue is weakly conserved and there is a small physicochemical difference between isoleucine and valine. This variant is not present in population databases (ExAC no frequency). This variant has not been reported in the literature in individuals with CCT2-related conditions. Algorithms developed to predict the effect of missense changes on protein structure and function output the following: SIFT: "Tolerated"; PolyPhen-2: "Benign"; Align-GVGD: "Class C0". The valine amino acid residue is found in multiple mammalian species, suggesting that this missense change does not adversely affect protein function. These predictions have not been confirmed by published functional studies and their clinical significance is uncertain. In summary, the available evidence is currently insufficient to determine the role of this variant in disease. Therefore, it has been classified as a Variant of Uncertain Significance.